The following is an entry in ClinVar:

ClinVar aggregate classification (germline): Uncertain significance. Review status: criteria provided, multiple submitters, no conflicts (2 of 4 stars). 2 submissions from 2 submitters: Uncertain significance (2). Last evaluated 2023-12-16.

Conditions:
Inborn genetic diseases. Identifiers: MedGen C0950123, MeSH D030342.

Allele frequency attached by ClinVar (database versions not stated): ExAC 0.00003; gnomAD 0.00003; TOPMed 0.00005; gnomAD exomes 0.00006; ESP Exome Variant Server 0.00008.
gnomAD v4.1: 90 of 1,614,142 alleles (0.0056%); highest among the groups gnomAD compares: Middle Eastern, 0.016%; no homozygotes.

Submissions (2):

Ambry Genetics
Classification: Uncertain significance for Inborn genetic diseases. Last evaluated: 2023-12-16. Review status: criteria provided, single submitter. Criteria: Ambry Variant Classification Scheme 2023. Collection method: clinical testing. Allele origin: germline.

GeneDx
Classification: Uncertain significance. Last evaluated: 2022-05-11. Review status: criteria provided, single submitter. Criteria: GeneDx Variant Classification Process June 2021. Collection method: clinical testing. Allele origin: germline. Affected: yes.
Comment: Not observed at significant frequency in large population cohorts (gnomAD); In silico analysis supports that this missense variant does not alter protein structure/function; Has not been previously published as pathogenic or benign to our knowledge

NM_015386.3(COG4):c.536G>A (p.Gly179Asp)

Gene: COG4 (component of oligomeric golgi complex 4; minus strand). Cytogenetic location: 16q22.1.
Variant type: single nucleotide variant.
Coding change: c.536G>A on transcript NM_015386.3 (MANE Select); coding-DNA position 536, G replaced by A.
Protein change: p.Gly179Asp; replaces glycine 179 with aspartic acid.
Molecular consequence: missense variant. On other transcripts: non-coding transcript variant (1).
Genome position (GRCh38, 1-based): chr16:70,514,343, C>T on the plus strand (G>A on the coding strand, the complement: COG4 is on the minus strand). VCF-style: chr16-70514343-C-T. GRCh37 (hg19) VCF-style: chr16-70548246-C-T.
Other names: c.524G>A, p.Gly175Asp (NM_001195139.2); c.110G>A, p.Gly37Asp (NM_001365426.1); short protein forms G175D, G179D, G37D.
Identifiers: ClinVar variation 1723819 (VCV001723819.3), dbSNP rs201628310, ClinGen allele CA8144661.